The following is an entry in ClinVar:

NM_015375.3(DSTYK):c.2762C>G (p.Pro921Arg)

Gene: DSTYK (dual serine/threonine and tyrosine protein kinase; minus strand). Cytogenetic location: 1q32.1.
Variant type: single nucleotide variant.
Coding change: c.2762C>G on transcript NM_015375.3 (MANE Select); coding-DNA position 2762, C replaced by G.
Protein change: p.Pro921Arg; replaces proline 921 with arginine.
Molecular consequence: missense variant.
Genome position (GRCh38, 1-based): chr1:205,147,586, G>C on the plus strand (C>G on the coding strand, the complement: DSTYK is on the minus strand). VCF-style: chr1-205147586-G-C. GRCh37 (hg19) VCF-style: chr1-205116714-G-C.
Other names: c.2627C>G, p.Pro876Arg (NM_199462.3); short protein forms P876R, P921R.
Identifiers: ClinVar variation 3234471 (VCV003234471.20), dbSNP rs1411730987, ClinGen allele CA344386271.

ClinVar aggregate classification (germline): Uncertain significance (1 of 4 stars; one submission).

Allele frequency attached by ClinVar (database versions not stated): TOPMed 0.00001.

Submission:

CeGaT Center for Human Genetics Tuebingen
Classification: Uncertain significance. Last evaluated: 2024-04-01. Review status: criteria provided, single submitter. Criteria: CeGaT Center For Human Genetics Tuebingen Variant Classification Criteria Version 2. Collection method: clinical testing. Allele origin: germline. Affected: yes. Observed: 1 variant allele.
Comment: DSTYK: PM2, BP4